The following is an entry in ClinVar:

ClinVar aggregate classification (germline): Benign/Likely benign. Review status: criteria provided, multiple submitters, no conflicts (2 of 4 stars). 3 submissions from 3 submitters: Benign (2); Likely benign (1). Last evaluated 2025-11-17.

Conditions:
Hereditary cancer-predisposing syndrome. Also called: Tumor predisposition; Neoplastic Syndromes, Hereditary; Hereditary neoplastic syndrome; Hereditary Cancer Syndrome. Identifiers: Orphanet 140162, MedGen C0027672, MeSH D009386, MONDO:0015356.
Ataxia-telangiectasia syndrome (AT). Also called: Ataxia-telangiectasia; Cerebello-oculocutaneous telangiectasia; Immunodeficiency with ataxia telangiectasia; Ataxia-telangiectasia, complementation group D; AT, COMPLEMENTATION GROUP C; ATAXIA-TELANGIECTASIA, COMPLEMENTATION GROUP A. Identifiers: Orphanet 100, MedGen C0004135, MONDO:0008840, OMIM 208900.

Allele frequency attached by ClinVar (database versions not stated): 1000 Genomes Project 0.16094.

Submissions (3):

Women's Health and Genetics/Laboratory Corporation of America, LabCorp
Classification: Likely benign. Last evaluated: 2025-11-17. Review status: criteria provided, single submitter. Criteria: LabCorp Variant Classification Summary - May 2015. Collection method: clinical testing. Allele origin: germline.
Comment: Variant summary: ATM c.566G>A (p.Arg189Lys) results in a conservative amino acid change in the encoded protein sequence. Algorithms developed to predict the effect of missense changes on protein structure and function are either unavailable or do not agree on the potential impact of this missense change. The variant allele was found at a frequency of 0.011 in 241282 control chromosomes in the gnomAD database, including 5 homozygotes. The observed variant frequency exceeds the estimated maximal expected allele frequency for disease-causing variants in ATM. To our knowledge, no occurrence of c.566G>A in individuals affected with ATM-related conditions and no experimental evidence demonstrating its impact on protein function have been reported. ClinVar contains an entry for this variant (Variation ID: 142992). Based on the evidence outlined above, the variant was classified as likely benign.

Labcorp Genetics (formerly Invitae), Labcorp
Classification: Benign for Ataxia-telangiectasia syndrome. Last evaluated: 2023-11-25. Review status: criteria provided, single submitter. Criteria: Invitae Variant Classification Sherloc (09022015). Collection method: clinical testing. Allele origin: germline.

Ambry Genetics
Classification: Benign for Hereditary cancer-predisposing syndrome. Last evaluated: 2014-12-26. Review status: criteria provided, single submitter. Criteria: Ambry Variant Classification Scheme 2023. Collection method: clinical testing. Allele origin: germline.

NM_000051.4(ATM):c.566G>A (p.Arg189Lys)

Gene: ATM (ATM serine/threonine kinase; plus strand). Cytogenetic location: 11q22.3.
Variant type: single nucleotide variant.
Coding change: c.566G>A on transcript NM_000051.4 (MANE Select); coding-DNA position 566, G replaced by A.
Protein change: p.Arg189Lys; replaces arginine 189 with lysine.
Molecular consequence: missense variant.
Genome position (GRCh38, 1-based): chr11:108,244,022, G>A. VCF-style: chr11-108244022-G-A. GRCh37 (hg19) VCF-style: chr11-108114749-G-A.
Other names: c.566G>A, p.Arg189Lys (NM_001351834.2); short protein forms R189K.
Identifiers: ClinVar variation 142992 (VCV000142992.10), dbSNP rs79075295, ClinGen allele CA169970.